The following is an entry in ClinVar:

ClinVar aggregate classification (germline): Uncertain significance (1 of 4 stars; one submission).

Conditions:
Congenital hyperammonemia, type I. Also called: CPS I DEFICIENCY; Carbamoyl phosphate synthetase 1 deficiency; Hyperammonemia due to carbamoyl phosphate synthetase 1 deficiency; CPS 1 deficiency; Carbamyl phosphate synthetase (CPS) deficiency; Carbamoyl-phosphate synthase I deficiency. Identifiers: Orphanet 147, MedGen C4082171, MONDO:0009376, OMIM 237300.

Submission:

Labcorp Genetics (formerly Invitae), Labcorp
Classification: Uncertain significance for Congenital hyperammonemia, type I. Last evaluated: 2021-11-17. Review status: criteria provided, single submitter. Criteria: Invitae Variant Classification Sherloc (09022015). Collection method: clinical testing. Allele origin: germline.
Comment: In summary, the available evidence is currently insufficient to determine the role of this variant in disease. Therefore, it has been classified as a Variant of Uncertain Significance. Algorithms developed to predict the effect of missense changes on protein structure and function are either unavailable or do not agree on the potential impact of this missense change (SIFT: "Deleterious"; PolyPhen-2: "Probably Damaging"; Align-GVGD: "Class C0"). This variant has not been reported in the literature in individuals affected with CPS1-related conditions. This variant is not present in population databases (gnomAD no frequency). This sequence change replaces glycine, which is neutral and non-polar, with valine, which is neutral and non-polar, at codon 226 of the CPS1 protein (p.Gly226Val).

NM_001875.5(CPS1):c.677G>T (p.Gly226Val)

Gene: CPS1 (carbamoyl-phosphate synthase 1; plus strand). Cytogenetic location: 2q34.
Variant type: single nucleotide variant.
Coding change: c.677G>T on transcript NM_001875.5 (MANE Select); coding-DNA position 677, G replaced by T.
Protein change: p.Gly226Val; replaces glycine 226 with valine.
Molecular consequence: missense variant. On other transcripts: non-coding transcript variant (1).
Genome position (GRCh38, 1-based): chr2:210,588,113, G>T. VCF-style: chr2-210588113-G-T. GRCh37 (hg19) VCF-style: chr2-211452837-G-T.
Other names: c.677G>T, p.Gly226Val (NM_001122633.3, NM_001369257.1); c.710G>T, p.Gly237Val (NM_001369256.1); short protein forms G237V, G226V.
Identifiers: ClinVar variation 1350890 (VCV001350890.6), dbSNP rs2106103911, ClinGen allele CA350429021.